The following is an entry in ClinVar:

NM_000264.5(PTCH1):c.289A>C (p.Asn97His)

Gene: PTCH1 (patched 1; minus strand). Cytogenetic location: 9q22.32.
Variant type: single nucleotide variant.
Coding change: c.289A>C on transcript NM_000264.5 (MANE Select); coding-DNA position 289, A replaced by C.
Protein change: p.Asn97His; replaces asparagine 97 with histidine.
Molecular consequence: missense variant. On other transcripts: 5 prime UTR variant (4), non-coding transcript variant (1).
Genome position (GRCh38, 1-based): chr9:95,506,512, T>G on the plus strand (A>C on the coding strand, the complement: PTCH1 is on the minus strand). VCF-style: chr9-95506512-T-G. GRCh37 (hg19) VCF-style: chr9-98268794-T-G.
Other names: c.91A>C, p.Asn31His (NM_001083602.3, NM_001354919.2); c.286A>C, p.Asn96His (NM_001083603.3); c.-165A>C (NM_001083604.3, NM_001083605.3, NM_001083606.3 and 1 more transcripts); c.289A>C, p.Asn97His (NM_001354918.2); short protein forms N96H, N31H, N97H.
Identifiers: ClinVar variation 3427294 (VCV003427294.1).
Genomic context (GRCh38, chr9:95,506,512, plus strand): 5'-TTAATCCCACCGCGAAGGCCCCAAATATGAGGAGGCCCACAACCAAGAACTTGCCGCAGT[T>G]TTTTTGAATGTAACAACCCAGTTTAAATAAGAGTCTCTGAAACTTCGCTCTCAGCCACAG-3'
Protein context (NP_000255.2, residues 87-107): LFKLGCYIQK[Asn97His]CGKFLVVGLL

ClinVar aggregate classification (germline): Uncertain significance (1 of 4 stars; one submission).

Conditions:
Hereditary cancer-predisposing syndrome. Also called: Neoplastic Syndromes, Hereditary; Tumor predisposition; Hereditary Cancer Syndrome; Hereditary neoplastic syndrome. Identifiers: Orphanet 140162, MedGen C0027672, MeSH D009386, MONDO:0015356.

gnomAD v4.1: 1 of 1,613,770 alleles (0.000062%); highest among the groups gnomAD compares: South Asian, 0.0011%; no homozygotes.

Submission:

Ambry Genetics
Classification: Uncertain significance for Hereditary cancer-predisposing syndrome. Last evaluated: 2024-10-08. Review status: criteria provided, single submitter. Criteria: Ambry Variant Classification Scheme 2023. Collection method: clinical testing. Allele origin: germline.
Comment: The p.N97H variant (also known as c.289A>C), located in coding exon 2 of the PTCH1 gene, results from an A to C substitution at nucleotide position 289. The asparagine at codon 97 is replaced by histidine, an amino acid with similar properties. This amino acid position is conserved. In addition, the in silico prediction for this alteration is inconclusive. Based on the available evidence, the clinical significance of this variant remains unclear.